The following is an entry in ClinVar:

ClinVar aggregate classification (germline): Likely pathogenic (1 of 4 stars; one submission).

Conditions:
Cohen syndrome (COH1). Also called: PEPPER SYNDROME; Cutis verticis gyrata, retinitis pigmentosa, and sensorineural deafness. Identifiers: Orphanet 193, MedGen C0265223, MONDO:0008999, OMIM 216550.

Submission:

Labcorp Genetics (formerly Invitae), Labcorp
Classification: Likely pathogenic for Cohen syndrome. Last evaluated: 2021-09-16. Review status: criteria provided, single submitter. Criteria: Invitae Variant Classification Sherloc (09022015). Collection method: clinical testing. Allele origin: germline.
Comment: In summary, the currently available evidence indicates that the variant is pathogenic, but additional data are needed to prove that conclusively. Therefore, this variant has been classified as Likely Pathogenic. This variant has not been reported in the literature in individuals with VPS13B-related conditions. This variant results in a copy number gain of the genomic region encompassing exon(s) 4-16 of the VPS13B gene. While the exact position of this variant cannot be determined from the data, sub-genic copy number gains are generally in tandem (PMID: 25640679). This variant is predicted to be out-of-frame, and may result in an absent or disrupted protein product. Loss-of-function variants in VPS13B are known to be pathogenic (PMID: 15141358, 16648375, 20461111).

Literature cited by the submitters: PubMed 25640679; PubMed 15141358; PubMed 16648375; PubMed 20461111.

NC_000008.10:g.(?_100108530)_(100182401_?)dup

Gene: VPS13B (vacuolar protein sorting 13 homolog B; plus strand). Cytogenetic location: 8q22.2.
Variant type: Duplication.
Identifiers: ClinVar variation 1521822 (VCV001521822.4).